The following is an entry in ClinVar:

ClinVar aggregate classification (germline): Uncertain significance (1 of 4 stars; one submission).

Conditions:
Fanconi anemia (FA). Also called: Fanconi's anemia. Identifiers: Orphanet 84, MedGen C0015625, MeSH D005199, MONDO:0019391.

Submission:

Labcorp Genetics (formerly Invitae), Labcorp
Classification: Uncertain significance for Fanconi anemia. Last evaluated: 2021-04-11. Review status: criteria provided, single submitter. Criteria: Invitae Variant Classification Sherloc (09022015). Collection method: clinical testing. Allele origin: germline.
Comment: In summary, the available evidence is currently insufficient to determine the role of this variant in disease. Therefore, it has been classified as a Variant of Uncertain Significance. Experimental studies and prediction algorithms are not available or were not evaluated, and the functional significance of this variant is currently unknown. This variant has not been reported in the literature in individuals with FANCI-related conditions. This variant is a gross deletion of the genomic region encompassing exon(s) 18 of the FANCI gene. This variant would be expected to be in-frame, preserving the integrity of the reading frame.

NC_000015.9:g.(?_89828307)_(89828469_?)del

Gene: FANCI (FA complementation group I; plus strand). Cytogenetic location: 15q26.1.
Variant type: Deletion.
Identifiers: ClinVar variation 1373550 (VCV001373550.6).